The following is an entry in ClinVar:

NC_000003.11:g.(?_126707437)_(130720194_?)dup

Genes: ABTB1 (ankyrin repeat and BTB domain containing 1; plus strand), ACAD9 (acyl-CoA dehydrogenase family member 9; plus strand), ALG1L2 (ALG1 chitobiosyldiphosphodolichol beta-mannosyltransferase like 2; plus strand), ATP2C1 (ATPase secretory pathway Ca2+ transporting 1; plus strand), CFAP92 (cilia and flagella associated protein 92 (putative); minus strand) and 35 more. Cytogenetic location: 3q21.3-22.1.
Variant type: Duplication.
Identifiers: ClinVar variation 2424798 (VCV002424798.4).

ClinVar aggregate classification (germline): Uncertain significance. Review status: criteria provided, single submitter (1 of 4 stars). 2 submissions from 1 submitter: Uncertain significance (1). 1 of the submissions does not count toward it. Last evaluated 2022-09-24.

Conditions:
Deafness-lymphedema-leukemia syndrome. Also called: Lymphedema, primary, with myelodysplasia; Emberger syndrome. Identifiers: Orphanet 3226, MedGen C3279664, MONDO:0013540, OMIM 614038.
Monocytopenia with susceptibility to infections. Also called: MONOCYTOPENIA AND MYCOBACTERIAL INFECTION SYNDROME; MONOCYTOPENIA WITH SUSCEPTIBILITY TO MYCOBACTERIAL, FUNGAL, AND PAPILLOMAVIRUS INFECTIONS AND MYELODYSPLASIA; COMBINED IMMUNODEFICIENCY WITH SUSCEPTIBILITY TO MYCOBACTERIAL, VIRAL, AND FUNGAL INFECTIONS; Dendritic cell, monocyte, B lymphocyte, and natural killer lymphocyte deficiency; IMMUNODEFICIENCY 21; GATA2 DEFICIENCY. Identifiers: Orphanet 228423, MedGen C3280030, MONDO:0013607, OMIM 614172.

Submissions (2):

Labcorp Genetics (formerly Invitae), Labcorp
Classification: Uncertain significance for Monocytopenia with susceptibility to infections; Deafness-lymphedema-leukemia syndrome. Last evaluated: 2022-09-24. Review status: criteria provided, single submitter. Criteria: Invitae Variant Classification Sherloc (09022015). Collection method: clinical testing. Allele origin: germline.
Comment: A copy number gain of the genomic region encompassing the full coding sequence of the GATA2 gene has been identified. The boundaries of this event are unknown as they extend beyond the assayed region for this gene and therefore may encompass additional genes. As the precise location of this event is unknown, it may be in tandem or it may be located elsewhere in the genome. This variant has not been reported in the literature in individuals affected with GATA2-related conditions. In summary, the available evidence is currently insufficient to determine the role of this variant in disease. Therefore, it has been classified as a Variant of Uncertain Significance.

Labcorp Genetics (formerly Invitae), Labcorp
Classification: Uncertain significance. Last evaluated: 2022-09-24. Review status: flagged submission. Criteria: Invitae Variant Classification Sherloc (09022015). Collection method: clinical testing. Allele origin: germline. Not counted in ClinVar's aggregate classification.
Comment: A copy number gain of the genomic region encompassing the full coding sequence of the MBD4 gene has been identified. The boundaries of this event are unknown as they extend beyond the assayed region for this gene and therefore may encompass additional genes. As the precise location of this event is unknown, it may be in tandem or it may be located elsewhere in the genome. This variant has not been reported in the literature in individuals affected with MBD4-related conditions. In summary, the available evidence is currently insufficient to determine the role of this variant in disease. Therefore, it has been classified as a Variant of Uncertain Significance.
ClinVar note: Reason: This record appears to be redundant with a more recent record from the same submitter.
ClinVar note: Notes: SCV003792546 appears to be redundant with SCV003795754.